The following is an entry in ClinVar:

ClinVar aggregate classification (germline): Uncertain significance. Review status: criteria provided, multiple submitters, no conflicts (2 of 4 stars). 2 submissions from 2 submitters: Uncertain significance (2). Last evaluated 2026-02-16.

Conditions:
Inborn genetic diseases. Identifiers: MedGen C0950123, MeSH D030342.
Autosomal recessive limb-girdle muscular dystrophy type 2A (LGMDR1). Also called: Muscular dystrophy, limb-girdle, type 2A, Amish; LEYDEN-MOEBIUS MUSCULAR DYSTROPHY; MUSCULAR DYSTROPHY, PELVOFEMORAL; Limb-girdle muscular dystrophy, type 2A; Calpainopathy. Identifiers: Orphanet 267, MedGen C1869123, MONDO:0009675, OMIM 253600. Disease mechanism: loss of function.

Allele frequency attached by ClinVar (database versions not stated): TOPMed below 0.00001; ExAC 0.00001; gnomAD 0.00001.
gnomAD v4.1: 3 of 1,614,012 alleles (0.00019%); highest among the groups gnomAD compares: Non-Finnish European, 0.00025%; no homozygotes.

Submissions (2):

Ambry Genetics
Classification: Uncertain significance for Inborn genetic diseases. Last evaluated: 2026-02-16. Review status: criteria provided, single submitter. Criteria: Ambry Variant Classification Scheme 2023. Collection method: clinical testing. Allele origin: germline.
Comment: The c.775G>A (p.G259S) alteration is located in exon 5 (coding exon 5) of the CAPN3 gene. This alteration results from a G to A substitution at nucleotide position 775, causing the glycine (G) at amino acid position 259 to be replaced by a serine (S). Based on data from gnomAD, the A allele has an overall frequency of <0.001% (1/251342) total alleles studied. The highest observed frequency was 0.001% (1/113634) of European (non-Finnish) alleles. Based on insufficient or conflicting evidence, the clinical significance of this alteration remains unclear.

Labcorp Genetics (formerly Invitae), Labcorp
Classification: Uncertain significance for Autosomal recessive limb-girdle muscular dystrophy type 2A. Last evaluated: 2024-05-07. Review status: criteria provided, single submitter. Criteria: Invitae Variant Classification Sherloc (09022015). Collection method: clinical testing. Allele origin: germline.
Comment: This sequence change replaces glycine, which is neutral and non-polar, with serine, which is neutral and polar, at codon 259 of the CAPN3 protein (p.Gly259Ser). This variant is present in population databases (rs769494236, gnomAD 0.0009%). This variant has not been reported in the literature in individuals affected with CAPN3-related conditions. ClinVar contains an entry for this variant (Variation ID: 2591774). Advanced modeling of protein sequence and biophysical properties (such as structural, functional, and spatial information, amino acid conservation, physicochemical variation, residue mobility, and thermodynamic stability) performed at Invitae indicates that this missense variant is not expected to disrupt CAPN3 protein function with a negative predictive value of 80%. In summary, the available evidence is currently insufficient to determine the role of this variant in disease. Therefore, it has been classified as a Variant of Uncertain Significance.

NM_000070.3(CAPN3):c.775G>A (p.Gly259Ser)

Gene: CAPN3 (calpain 3; plus strand). Cytogenetic location: 15q15.1.
Variant type: single nucleotide variant.
Coding change: c.775G>A on transcript NM_000070.3 (MANE Select); coding-DNA position 775, G replaced by A.
Protein change: p.Gly259Ser; replaces glycine 259 with serine.
Molecular consequence: missense variant.
Genome position (GRCh38, 1-based): chr15:42,389,070, G>A. VCF-style: chr15-42389070-G-A. GRCh37 (hg19) VCF-style: chr15-42681268-G-A.
Other names: c.775G>A, p.Gly259Ser (NM_024344.2, NM_173087.2); c.514G>A, p.Gly172Ser (NM_212464.2); c.*468G>A (NM_212467.2); short protein forms G259S, G172S.
Identifiers: ClinVar variation 2591774 (VCV002591774.5), dbSNP rs769494236, ClinGen allele CA7511108.
Genomic context (GRCh38, chr15:42,389,070, plus strand): 5'-TTTGAGATCAGGGATGCTCCTAGTGACATGTACAAGATCATGAAGAAAGCCATCGAGAGA[G>A]GCTCCCTCATGGGCTGCTCCATTGATGTAAGTCTGGGGTGTGGGGCACAGGGTGGGGAGC-3'
Protein context (NP_000061.1, residues 249-269): YKIMKKAIER[Gly259Ser]SLMGCSIDDG